The following is an entry in ClinVar:

ClinVar aggregate classification (germline): Uncertain significance. Review status: criteria provided, multiple submitters, no conflicts (2 of 4 stars). 2 submissions from 2 submitters: Uncertain significance (2). Last evaluated 2025-09-29.

Conditions:
Hypertrophic cardiomyopathy. Also called: HYPERTROPHIC MYOCARDIOPATHY. Identifiers: Orphanet 217569, MedGen C0007194, MeSH D002312, MONDO:0005045, HP:0001639.

Submissions (2):

Labcorp Genetics (formerly Invitae), Labcorp
Classification: Uncertain significance for Hypertrophic cardiomyopathy. Last evaluated: 2025-09-29. Review status: criteria provided, single submitter. Criteria: Invitae Variant Classification Sherloc (09022015). Collection method: clinical testing. Allele origin: germline.
Comment: This sequence change replaces lysine, which is basic and polar, with arginine, which is basic and polar, at codon 77 of the TPM1 protein (p.Lys77Arg). This variant is not present in population databases (gnomAD no frequency). This variant has not been reported in the literature in individuals affected with TPM1-related conditions. ClinVar contains an entry for this variant (Variation ID: 1398197). An algorithm developed to predict the effect of missense changes on protein structure and function (PolyPhen-2) suggests that this variant is likely to be tolerated. In summary, the available evidence is currently insufficient to determine the role of this variant in disease. Therefore, it has been classified as a Variant of Uncertain Significance.

GeneDx
Classification: Uncertain significance. Last evaluated: 2024-06-27. Review status: criteria provided, single submitter. Criteria: GeneDx Variant Classification Process June 2021. Collection method: clinical testing. Allele origin: germline. Affected: yes.
Comment: Not observed at significant frequency in large population cohorts (gnomAD); In silico analysis indicates that this missense variant does not alter protein structure/function; Has not been previously published as pathogenic or benign to our knowledge

NM_001018005.2(TPM1):c.230A>G (p.Lys77Arg)

Gene: TPM1 (tropomyosin 1; plus strand). Cytogenetic location: 15q22.2.
Variant type: single nucleotide variant.
Coding change: c.230A>G on transcript NM_001018005.2 (MANE Select); coding-DNA position 230, A replaced by G.
Protein change: p.Lys77Arg; replaces lysine 77 with arginine.
Molecular consequence: missense variant. On other transcripts: intron variant (3).
Genome position (GRCh38, 1-based): chr15:63,044,142, A>G. VCF-style: chr15-63044142-A-G. GRCh37 (hg19) VCF-style: chr15-63336341-A-G.
Other names: c.230A>G, p.Lys77Arg (NM_000366.6, NM_001018004.2, NM_001018006.2 and 3 more transcripts); c.356A>G, p.Lys119Arg (NM_001365778.1); c.240+311A>G (NM_001018020.2, NM_001018007.2, NM_001301244.2); c.230A>G (NM_001018005.1); short protein forms K119R, K77R.
Identifiers: ClinVar variation 1398197 (VCV001398197.9), dbSNP rs2140629423, ClinGen allele CA392718733.